The following is an entry in ClinVar:

ClinVar aggregate classification (somatic clinical impact): Tier I - Strong (1 of 4 stars; one submission).

Conditions:
Diffuse glioma, H3 G34 mutant. Identifiers: MedGen CN377580, MONDO:0957197.

Submission:

Institute for Genomic Medicine (IGM) Clinical Laboratory, Nationwide Children's Hospital
Classification: Tier I - Strong for Diffuse glioma, H3 G34 mutant. Assertion type: diagnostic. Clinical significance: supports diagnosis. Last evaluated: 2023-06-15. Review status: criteria provided, single submitter. Criteria: AMP/ASCO/CAP Guidelines, 2017. Collection method: clinical testing. Allele origin: somatic. Affected: yes.
Comment: Variant has Tier I (strong) clinical significance as a diagnostic inclusion criterion in diffuse glioma, H3 G34 mutant, based on the following evidence: 1) Diagnostic for a specific tumor type/classification based on well-powered studies with expert-level consensus (Evidence Level B; PMIDs: 24705251, 25230881, 28966033, 29763623, 24705250, 33259802, 35195909).

Literature cited by the submitters: PubMed 24705251; PubMed 25230881; PubMed 28966033; PubMed 29763623; PubMed 24705250; PubMed 33259802; PubMed 35195909.

NM_006206.6(PDGFRA):c.1463_1483dup (p.Glu494_Glu495insValThrPheAlaLysValGlu)

Gene: PDGFRA (platelet derived growth factor receptor alpha; plus strand). Cytogenetic location: 4q12.
Variant type: Duplication.
Coding change: c.1463_1483dup on transcript NM_006206.6 (MANE Select); coding-DNA positions 1463 to 1483, 21 bases duplicated (TGACTTTCGCCAAAGTGGAGG).
Protein change: p.Glu494_Glu495insValThrPheAlaLysValGlu.
Genome position (GRCh38, 1-based): chr4:54,273,635-54,273,655, TGACTTTCGCCAAAGTGGAGG duplicated; duplicating any 21 consecutive bases within chr4:54,273,634-54,273,655 gives the same sequence; the c. name uses the placement nearest the transcript's 3' end. VCF-style (leftmost placement, unchanged base first): chr4-54273633-T-TGTGACTTTCGCCAAAGTGGAG. GRCh37 (hg19) VCF-style: chr4-55139800-T-TGTGACTTTCGCCAAAGTGGAG.
Other names: c.1463_1483dup, p.Glu494_Glu495insValThrPheAlaLysValGlu (NM_001347827.2, NM_001347829.2); c.1538_1558dup, p.Glu519_Glu520insValThrPheAlaLysValGlu (NM_001347828.2); c.1502_1522dup, p.Glu507_Glu508insValThrPheAlaLysValGlu (NM_001347830.2).
Identifiers: ClinVar variation 4530327 (VCV004530327.1).